The following is an entry in ClinVar:

ClinVar aggregate classification (germline): Pathogenic (1 of 4 stars; one submission).

Conditions:
Spastic paraplegia. Identifiers: MedGen C0037772, HP:0001258.

Allele frequency attached by ClinVar (database versions not stated): gnomAD exomes below 0.00001.

Submission:

Labcorp Genetics (formerly Invitae), Labcorp
Classification: Pathogenic for Spastic paraplegia. Last evaluated: 2024-02-07. Review status: criteria provided, single submitter. Criteria: Invitae Variant Classification Sherloc (09022015). Collection method: clinical testing. Allele origin: germline.
Comment: This sequence change creates a premature translational stop signal (p.Arg3024Thrfs*4) in the SACS gene. While this is not anticipated to result in nonsense mediated decay, it is expected to disrupt the last 1556 amino acid(s) of the SACS protein. This variant is not present in population databases (gnomAD no frequency). This variant has not been reported in the literature in individuals affected with SACS-related conditions. ClinVar contains an entry for this variant (Variation ID: 1460201). This variant disrupts a region of the SACS protein in which other variant(s) (p.Glu4418Lysfs*46) have been determined to be pathogenic (Invitae). This suggests that this is a clinically significant region of the protein, and that variants that disrupt it are likely to be disease-causing. For these reasons, this variant has been classified as Pathogenic.

NM_014363.6(SACS):c.9069_9070del (p.Arg3024fs)

Gene: SACS (sacsin molecular chaperone; minus strand). Cytogenetic location: 13q12.12.
Variant type: Deletion.
Coding change: c.9069_9070del on transcript NM_014363.6 (MANE Select); coding-DNA positions 9069 to 9070, 2 bases deleted (TA; older notation c.9069_9070delTA).
Protein change: p.Arg3024fs; shifts the reading frame from arginine 3024.
Molecular consequence: frameshift variant.
Genome position (GRCh38, 1-based): chr13:23,334,806-23,334,807, TA deleted on the plus strand (TA on the coding strand, the reverse complement: SACS is on the minus strand). VCF-style (leftmost placement, unchanged base first): chr13-23334805-CTA-C. GRCh37 (hg19) VCF-style: chr13-23908944-CTA-C.
Other names: c.8628_8629del, p.Arg2877fs (NM_001278055.2); short protein forms R3024fs, R2877fs.
Identifiers: ClinVar variation 1460201 (VCV001460201.8), dbSNP rs1868424934, ClinGen allele CA2078622000.
Genomic context (GRCh38, chr13:23,334,805, plus strand): 5'-TTATAATCTGCATTTTTAAGGTGTTGTAATTCATCCTGTAGTAAATTGTCAAAAAATGGT[CTA>C]GTTTTATTAGAAGTAGACATATTGATCCAAGTAATTATAACTGCAGAGTGCAAGTCAGAG-3'